The following is an entry in ClinVar:

NM_004304.5(ALK):c.3067+6G>T

Gene: ALK (ALK receptor tyrosine kinase; minus strand). Cytogenetic location: 2p23.2.
Variant type: single nucleotide variant.
Coding change: c.3067+6G>T on transcript NM_004304.5 (MANE Select); 6 bases into the intron after coding-DNA position 3067, G replaced by T.
Molecular consequence: intron variant.
Genome position (GRCh38, 1-based): chr2:29,226,916, C>A on the plus strand (G>T on the coding strand, the complement: ALK is on the minus strand). VCF-style: chr2-29226916-C-A. GRCh37 (hg19) VCF-style: chr2-29449782-C-A.
Identifiers: ClinVar variation 658899 (VCV000658899.8), dbSNP rs1573131521, ClinGen allele CA915943769.
Genomic context (GRCh38, chr2:29,226,916, plus strand): 5'-ATTTGTGGTCATGGGCCAAATCTCAGGCTATGGGCCCCTCTGCCTCCCCTGGCCCTGCCC[C>A]CTTACCAATGCAGGAGACGCCATCCTCAGCCAGCACCGTCCCGTGGTCACAGAAGCAGAT-3'

ClinVar aggregate classification (germline): Uncertain significance (1 of 4 stars; one submission).

Conditions:
Neuroblastoma, susceptibility to, 3. Also called: ALK-Related Neuroblastic Tumor Susceptibility. Identifiers: Orphanet 635, MedGen C2751681, MONDO:0013083, OMIM 613014.

Submission:

Labcorp Genetics (formerly Invitae), Labcorp
Classification: Uncertain significance for Neuroblastoma, susceptibility to, 3. Last evaluated: 2022-04-08. Review status: criteria provided, single submitter. Criteria: Invitae Variant Classification Sherloc (09022015). Collection method: clinical testing. Allele origin: germline.
Comment: This sequence change falls in intron 18 of the ALK gene. It does not directly change the encoded amino acid sequence of the ALK protein. It affects a nucleotide within the consensus splice site. This variant has not been reported in the literature in individuals affected with ALK-related conditions. This variant is not present in population databases (gnomAD no frequency). ClinVar contains an entry for this variant (Variation ID: 658899). In summary, the available evidence is currently insufficient to determine the role of this variant in disease. Therefore, it has been classified as a Variant of Uncertain Significance. Variants that disrupt the consensus splice site are a relatively common cause of aberrant splicing (PMID: 17576681, 9536098). Algorithms developed to predict the effect of sequence changes on RNA splicing suggest that this variant is not likely to affect RNA splicing.

Literature cited by the submitters: PubMed 17576681; PubMed 9536098.